The following is an entry in ClinVar:

ClinVar aggregate classification (germline): Conflicting classifications of pathogenicity. Review status: criteria provided, conflicting classifications (1 of 4 stars). 3 submissions from 3 submitters: Uncertain significance (1); Likely benign (2). Last evaluated 2025-12-16.

Conditions:
EYS-related disorder. Also called: EYS-related condition.

Allele frequency attached by ClinVar (database versions not stated): gnomAD exomes 0.00001; TOPMed 0.00001.
gnomAD v4.1: 7 of 1,551,056 alleles (0.00045%); highest among the groups gnomAD compares: Admixed American, 0.0098%; no homozygotes.

Submissions (3):

PreventionGenetics, part of Exact Sciences
Classification: Likely benign for EYS-related condition. Last evaluated: 2025-12-16. Review status: criteria provided, single submitter. Criteria: ACMG Guidelines, 2015. Collection method: clinical testing. Allele origin: germline.
Comment: This variant is classified as likely benign based on ACMG/AMP sequence variant interpretation guidelines (Richards et al. 2015 PMID: 25741868, with internal and published modifications).

Labcorp Genetics (formerly Invitae), Labcorp
Classification: Likely benign. Last evaluated: 2024-02-11. Review status: criteria provided, single submitter. Criteria: Invitae Variant Classification Sherloc (09022015). Collection method: clinical testing. Allele origin: germline.

Blueprint Genetics
Classification: Uncertain significance. Last evaluated: 2019-03-18. Review status: criteria provided, single submitter. Criteria: ACMG Guidelines, 2015. Collection method: clinical testing. Allele origin: germline.

NM_001142800.2(EYS):c.8151G>A (p.Lys2717=)

Gene: EYS (EGF-like photoreceptor maintenance factor; minus strand). Cytogenetic location: 6q12.
Variant type: single nucleotide variant.
Coding change: c.8151G>A on transcript NM_001142800.2 (MANE Select); coding-DNA position 8151, G replaced by A.
Protein change: p.Lys2717=; no amino-acid change (lysine 2717 retained).
Molecular consequence: synonymous variant.
Genome position (GRCh38, 1-based): chr6:63,726,601, C>T on the plus strand (G>A on the coding strand, the complement: EYS is on the minus strand). VCF-style: chr6-63726601-C-T. GRCh37 (hg19) VCF-style: chr6-64436494-C-T.
Other names: c.8214G>A, p.Lys2738= (NM_001292009.2).
Identifiers: ClinVar variation 866322 (VCV000866322.11), dbSNP rs983603381, ClinGen allele CA450744062.